The following is an entry in ClinVar:

NM_021930.6(RINT1):c.1687C>A (p.Gln563Lys)

Gene: RINT1 (RAD50 interactor 1; plus strand). Cytogenetic location: 7q22.3.
Variant type: single nucleotide variant.
Coding change: c.1687C>A on transcript NM_021930.6 (MANE Select); coding-DNA position 1687, C replaced by A.
Protein change: p.Gln563Lys; replaces glutamine 563 with lysine.
Molecular consequence: missense variant. On other transcripts: non-coding transcript variant (1).
Genome position (GRCh38, 1-based): chr7:105,563,748, C>A. VCF-style: chr7-105563748-C-A. GRCh37 (hg19) VCF-style: chr7-105204195-C-A.
Other names: c.1453C>A, p.Gln485Lys (NM_001346599.2); c.664C>A, p.Gln222Lys (NM_001346600.2, NM_001346603.2); c.763C>A, p.Gln255Lys (NM_001346601.2); short protein forms Q222K, Q255K, Q485K, Q563K.
Identifiers: ClinVar variation 3946005 (VCV003946005.1).

ClinVar aggregate classification (germline): Uncertain significance (1 of 4 stars; one submission).

Submission:

Ambry Genetics
Classification: Uncertain significance. Last evaluated: 2025-05-19. Review status: criteria provided, single submitter. Criteria: Ambry Variant Classification Scheme 2023. Collection method: clinical testing. Allele origin: germline.
Comment: The p.Q563K variant (also known as c.1687C>A), located in coding exon 12 of the RINT1 gene, results from a C to A substitution at nucleotide position 1687. The glutamine at codon 563 is replaced by lysine, an amino acid with similar properties. This amino acid position is conserved. In addition, the in silico prediction for this alteration is inconclusive. Based on the available evidence, the clinical significance of this variant remains unclear.